The following is an entry in ClinVar:

ClinVar aggregate classification (germline): Conflicting classifications of pathogenicity. Review status: criteria provided, conflicting classifications (1 of 4 stars). 3 submissions from 3 submitters: Uncertain significance (2); Likely benign (1). Last evaluated 2024-10-04.

Conditions:
Inborn genetic diseases. Identifiers: MedGen C0950123, MeSH D030342.
Developmental and epileptic encephalopathy, 8 (DEE8). Also called: HYPEREKPLEXIA AND EPILEPSY. Identifiers: Orphanet 163985, Orphanet 2076, MedGen C1845102, MONDO:0010375, OMIM 300607.

Allele frequency attached by ClinVar (database versions not stated): gnomAD exomes 0.00001 and 0.00003; gnomAD 0.00007 and 0.00009; ExAC 0.00008; TOPMed 0.00010.
gnomAD v4.1: 15 of 1,208,991 alleles (0.0012%); highest among the groups gnomAD compares: African/African-American, 0.021%; no homozygotes.

Submissions (3):

Ambry Genetics
Classification: Uncertain significance for Inborn genetic diseases. Last evaluated: 2024-10-04. Review status: criteria provided, single submitter. Criteria: Ambry Variant Classification Scheme 2023. Collection method: clinical testing. Allele origin: germline.

Labcorp Genetics (formerly Invitae), Labcorp
Classification: Likely benign for Developmental and epileptic encephalopathy, 8. Last evaluated: 2024-10-03. Review status: criteria provided, single submitter. Criteria: Invitae Variant Classification Sherloc (09022015). Collection method: clinical testing. Allele origin: germline.

GeneDx
Classification: Uncertain significance. Last evaluated: 2016-08-22. Review status: criteria provided, single submitter. Criteria: GeneDx Variant Classification (06012015). Collection method: clinical testing. Allele origin: germline. Affected: yes.
Comment: A variant of uncertain significance has been identified in the ARHGEF9 gene. The M347L variant has not been published as a pathogenic variant, nor has it been reported as a benign variant to our knowledge. The M347L variant is a conservative amino acid substitution, which is not likely to impact secondary protein structure as these residues share similar properties. This substitution occurs at a position where amino acids with similar properties to Methionine are tolerated across species, and Leucine is observed at this position in other species. However, M374L was not observed in approximately 6,500 individuals of European and African American ancestry in the NHLBI Exome Sequencing Project, indicating it is not a common benign variant in these populations. In silico analysis is inconsistent in its predictions as to whether or not the variant is damaging to the protein structure/function. Therefore, based on the currently available information, it is unclear whether this variant is a pathogenic variant or a rare benign variant.

NM_001353921.2(ARHGEF9):c.1060A>C (p.Met354Leu)

Gene: ARHGEF9 (Cdc42 guanine nucleotide exchange factor 9; minus strand). Cytogenetic location: Xq11.1.
Variant type: single nucleotide variant.
Coding change: c.1060A>C on transcript NM_001353921.2 (MANE Select); coding-DNA position 1060, A replaced by C.
Protein change: p.Met354Leu; replaces methionine 354 with leucine.
Molecular consequence: missense variant. On other transcripts: intron variant (5).
Genome position (GRCh38, 1-based): chrX:63,665,903, T>G on the plus strand (A>C on the coding strand, the complement: ARHGEF9 is on the minus strand). VCF-style: chrX-63665903-T-G. GRCh37 (hg19) VCF-style: chrX-62885783-T-G.
Other names: c.880A>C, p.Met294Leu (NM_001173479.2); c.733A>C, p.Met245Leu (NM_001173480.2, NM_001369042.1); c.976A>C, p.Met326Leu (NM_001330495.2, NM_001369033.1, NM_001369034.1 and 6 more transcripts); c.1078A>C, p.Met360Leu (NM_001353923.1); c.859A>C, p.Met287Leu (NM_001353924.2, NM_001353926.2, NM_001369039.1 and 1 more transcripts); c.1039A>C, p.Met347Leu (NM_001369030.1, NM_001369031.1, NM_001369032.1 and 1 more transcripts); c.945+8135A>C (NM_001353922.2); c.861+8135A>C (NM_001369041.1, NM_001353927.2); and 2 more; short protein forms M347L, M287L, M294L, M326L, M354L, M360L, M245L.
Identifiers: ClinVar variation 388838 (VCV000388838.11), dbSNP rs782248986, ClinGen allele CA10431873.